The following is an entry in ClinVar:

ClinVar aggregate classification (germline): Uncertain significance (1 of 4 stars; one submission).

Conditions:
Progressive sclerosing poliodystrophy (MTDPS4A). Also called: ALPERS PROGRESSIVE INFANTILE POLIODYSTROPHY; NEURONAL DEGENERATION OF CHILDHOOD WITH LIVER DISEASE, PROGRESSIVE; Alpers Syndrome; ALPERS DIFFUSE DEGENERATION OF CEREBRAL GRAY MATTER WITH HEPATIC CIRRHOSIS; Alpers-Huttenlocher Syndrome; Mitochondrial DNA depletion syndrome 4A (Alpers type). Identifiers: Orphanet 726, MedGen C0205710, MONDO:0008758, OMIM 203700.

gnomAD v4.1: 3 of 1,613,960 alleles (0.00019%); highest among the groups gnomAD compares: African/African-American, 0.0027%; no homozygotes.

Submission:

Labcorp Genetics (formerly Invitae), Labcorp
Classification: Uncertain significance for Progressive sclerosing poliodystrophy. Last evaluated: 2025-10-01. Review status: criteria provided, single submitter. Criteria: Invitae Variant Classification Sherloc (09022015). Collection method: clinical testing. Allele origin: germline.
Comment: This sequence change replaces threonine, which is neutral and polar, with arginine, which is basic and polar, at codon 1053 of the POLG protein (p.Thr1053Arg). This variant is present in population databases (rs375268845, gnomAD 0.007%). This variant has not been reported in the literature in individuals affected with POLG-related conditions. ClinVar contains an entry for this variant (Variation ID: 3717297). Invitae Evidence Modeling of protein sequence and biophysical properties (such as structural, functional, and spatial information, amino acid conservation, physicochemical variation, residue mobility, and thermodynamic stability) indicates that this missense variant is expected to disrupt POLG protein function with a positive predictive value of 95%. In summary, the available evidence is currently insufficient to determine the role of this variant in disease. Therefore, it has been classified as a Variant of Uncertain Significance.

NM_002693.3(POLG):c.3158C>G (p.Thr1053Arg)

Gene: POLG (DNA polymerase gamma, catalytic subunit; minus strand). Cytogenetic location: 15q26.1.
Variant type: single nucleotide variant.
Coding change: c.3158C>G on transcript NM_002693.3 (MANE Select); coding-DNA position 3158, C replaced by G.
Protein change: p.Thr1053Arg; replaces threonine 1053 with arginine.
Molecular consequence: missense variant.
Genome position (GRCh38, 1-based): chr15:89,319,046, G>C on the plus strand (C>G on the coding strand, the complement: POLG is on the minus strand). VCF-style: chr15-89319046-G-C. GRCh37 (hg19) VCF-style: chr15-89862277-G-C.
Other names: c.3158C>G, p.Thr1053Arg (NM_001126131.2); short protein forms T1053R.
Identifiers: ClinVar variation 3717297 (VCV003717297.2).
Genomic context (GRCh38, chr15:89,319,046, plus strand): 5'-GGGGTACGTGGTATGTCAGACGTAGCAATGCTCTCAAGCTTATTGAACATTTCTGACTCT[G>C]TGCCCCCCTTCCATGCCCGTTCAGCAACCACCTCCCACTTCTTCCACTGTGACCTAAGGG-3'
Protein context (NP_002684.1, residues 1043-1063): VVAERAWKGG[Thr1053Arg]ESEMFNKLES